The following is an entry in ClinVar:

ClinVar aggregate classification (germline): Uncertain significance (1 of 4 stars; one submission).

Submission:

Labcorp Genetics (formerly Invitae), Labcorp
Classification: Uncertain significance. Last evaluated: 2023-03-11. Review status: criteria provided, single submitter. Criteria: Invitae Variant Classification Sherloc (09022015). Collection method: clinical testing. Allele origin: germline.
Comment: In summary, the available evidence is currently insufficient to determine the role of this variant in disease. Therefore, it has been classified as a Variant of Uncertain Significance. Experimental studies and prediction algorithms are not available or were not evaluated, and the functional significance of this variant is currently unknown. ClinVar contains an entry for this variant (Variation ID: 2017388). This variant has not been reported in the literature in individuals affected with PLEKHG2-related conditions. This variant is not present in population databases (gnomAD no frequency). This sequence change creates a premature translational stop signal (p.Tyr1280*) in the PLEKHG2 gene. While this is not anticipated to result in nonsense mediated decay, it is expected to disrupt the last 107 amino acid(s) of the PLEKHG2 protein.

NM_022835.3(PLEKHG2):c.3840C>G (p.Tyr1280Ter)

Gene: PLEKHG2 (pleckstrin homology and RhoGEF domain containing G2; plus strand). Cytogenetic location: 19q13.2.
Variant type: single nucleotide variant.
Coding change: c.3840C>G on transcript NM_022835.3 (MANE Select); coding-DNA position 3840, C replaced by G.
Protein change: p.Tyr1280Ter; replaces tyrosine 1280 with a stop codon.
Molecular consequence: nonsense. On other transcripts: intron variant (2).
Genome position (GRCh38, 1-based): chr19:39,424,973, C>G. VCF-style: chr19-39424973-C-G. GRCh37 (hg19) VCF-style: chr19-39915613-C-G.
Other names: c.3572+91C>G (NM_001351693.2); c.1678-265C>G (NM_001351694.2); short protein forms Y1280*.
Identifiers: ClinVar variation 2017388 (VCV002017388.4), dbSNP rs2514462876, ClinGen allele CA405809511.